The following is an entry in ClinVar:

ClinVar aggregate classification (germline): Pathogenic (1 of 4 stars; one submission).

Conditions:
Sandhoff disease. Also called: GM2-GANGLIOSIDOSIS, TYPE II; HEXOSAMINIDASES A AND B DEFICIENCY; Beta-hexosaminidase-beta-subunit deficiency; GM2 gangliosidosis, type 2; Total hexosaminidase deficiency; Sandhoff-Jatzkewitz-Pilz disease. Identifiers: Orphanet 796, MedGen C0036161, MONDO:0010006, OMIM 268800.

Submission:

Labcorp Genetics (formerly Invitae), Labcorp
Classification: Pathogenic for Sandhoff disease. Last evaluated: 2022-08-08. Review status: criteria provided, single submitter. Criteria: Invitae Variant Classification Sherloc (09022015). Collection method: clinical testing. Allele origin: germline.
Comment: For these reasons, this variant has been classified as Pathogenic. This variant has not been reported in the literature in individuals affected with HEXB-related conditions. This variant is not present in population databases (gnomAD no frequency). This sequence change creates a premature translational stop signal (p.Gln313*) in the HEXB gene. It is expected to result in an absent or disrupted protein product. Loss-of-function variants in HEXB are known to be pathogenic (PMID: 7550345, 18758829).

Literature cited by the submitters: PubMed 7550345; PubMed 18758829.

NM_000521.4(HEXB):c.937C>T (p.Gln313Ter)

Gene: HEXB (hexosaminidase subunit beta; plus strand). Cytogenetic location: 5q13.3.
Variant type: single nucleotide variant.
Coding change: c.937C>T on transcript NM_000521.4 (MANE Select); coding-DNA position 937, C replaced by T.
Protein change: p.Gln313Ter; replaces glutamine 313 with a stop codon.
Molecular consequence: nonsense.
Genome position (GRCh38, 1-based): chr5:74,715,545, C>T. VCF-style: chr5-74715545-C-T. GRCh37 (hg19) VCF-style: chr5-74011370-C-T.
Other names: c.262C>T, p.Gln88Ter (NM_001292004.2); short protein forms Q313*, Q88*.
Identifiers: ClinVar variation 2022764 (VCV002022764.4), dbSNP rs2478757000, ClinGen allele CA360068311.